The following is an entry in ClinVar:

ClinVar aggregate classification (germline): Uncertain significance. Review status: criteria provided, multiple submitters, no conflicts (2 of 4 stars). 3 submissions from 3 submitters: Uncertain significance (3). Last evaluated 2025-11-12.

Conditions:
Myopathy, centronuclear, 2 (CNM2). Also called: MYOTUBULAR MYOPATHY, AUTOSOMAL RECESSIVE. Identifiers: Orphanet 169186, MedGen CN031787, MONDO:0009709, OMIM 255200.

Allele frequency attached by ClinVar (database versions not stated): gnomAD exomes 0.00007; TOPMed 0.00006; ESP Exome Variant Server 0.00024; gnomAD 0.00003; ExAC 0.00026.
gnomAD v4.1: 80 of 1,582,020 alleles (0.0051%); highest among the groups gnomAD compares: African/African-American, 0.011%; no homozygotes.

Submissions (3):

Labcorp Genetics (formerly Invitae), Labcorp
Classification: Uncertain significance for Myopathy, centronuclear, 2. Last evaluated: 2025-11-12. Review status: criteria provided, single submitter. Criteria: Invitae Variant Classification Sherloc (09022015). Collection method: clinical testing. Allele origin: germline.
Comment: This sequence change replaces glycine, which is neutral and non-polar, with serine, which is neutral and polar, at codon 428 of the BIN1 protein (p.Gly428Ser). The frequency data for this variant in the population databases is considered unreliable, as metrics indicate poor data quality at this position in the gnomAD database. This variant has not been reported in the literature in individuals affected with BIN1-related conditions. ClinVar contains an entry for this variant (Variation ID: 530867). An algorithm developed to predict the effect of missense changes on protein structure and function (PolyPhen-2) suggests that this variant is likely to be tolerated. In summary, the available evidence is currently insufficient to determine the role of this variant in disease. Therefore, it has been classified as a Variant of Uncertain Significance.

GeneDx
Classification: Uncertain significance. Last evaluated: 2025-10-09. Review status: criteria provided, single submitter. Criteria: GeneDx Variant Classification Process June 2021. Collection method: clinical testing. Allele origin: germline.
Comment: In silico analysis suggests that this missense variant does not alter protein structure/function; Has not been previously reported as pathogenic or benign in association with centronuclear myopathy to our knowledge; This variant is associated with the following publications: (PMID: 27009864, 26740555, 28719003, 28539123)

Revvity Omics, Revvity
Classification: Uncertain significance for Myopathy, centronuclear, 2. Last evaluated: 2024-09-24. Review status: criteria provided, single submitter. Criteria: ACMG Guidelines, 2015. Collection method: clinical testing. Allele origin: germline.

NM_139343.3(BIN1):c.1282G>A (p.Gly428Ser)

Gene: BIN1 (bridging integrator 1; minus strand). Cytogenetic location: 2q14.3.
Variant type: single nucleotide variant.
Coding change: c.1282G>A on transcript NM_139343.3 (MANE Select); coding-DNA position 1282, G replaced by A.
Protein change: p.Gly428Ser; replaces glycine 428 with serine.
Molecular consequence: missense variant. On other transcripts: intron variant (9).
Genome position (GRCh38, 1-based): chr2:127,052,344, C>T on the plus strand (G>A on the coding strand, the complement: BIN1 is on the minus strand). VCF-style: chr2-127052344-C-T. GRCh37 (hg19) VCF-style: chr2-127809920-C-T.
Other names: c.1189G>A, p.Gly397Ser (NM_001320641.2); c.1201G>A, p.Gly401Ser (NM_001320642.1); c.1153G>A, p.Gly385Ser (NM_139344.3); c.1021G>A, p.Gly341Ser (NM_139345.3); c.1057G>A, p.Gly353Ser (NM_139347.3); c.928G>A, p.Gly310Ser (NM_139349.3); c.838-1432G>A (NM_001320634.1); c.910-1432G>A (NM_139351.3); and 7 more; short protein forms G428S, G310S, G341S, G385S, G397S, G353S, G401S.
Identifiers: ClinVar variation 530867 (VCV000530867.17), dbSNP rs200124094, ClinGen allele CA1857104.